The following is an entry in ClinVar:

ClinVar aggregate classification (germline): Uncertain significance (1 of 4 stars; one submission).

Allele frequency attached by ClinVar (database versions not stated): gnomAD exomes 0.00003.
gnomAD v4.1: 21 of 1,012,474 alleles (0.0021%); highest among the groups gnomAD compares: Non-Finnish European, 0.0025%; no homozygotes.

Submission:

Labcorp Genetics (formerly Invitae), Labcorp
Classification: Uncertain significance. Last evaluated: 2024-03-10. Review status: criteria provided, single submitter. Criteria: Invitae Variant Classification Sherloc (09022015). Collection method: clinical testing. Allele origin: germline.
Comment: This sequence change falls in intron 2 of the PHIP gene. It does not directly change the encoded amino acid sequence of the PHIP protein. It affects a nucleotide within the consensus splice site. The frequency data for this variant in the population databases is considered unreliable, as metrics indicate insufficient coverage at this position in the gnomAD database. This variant has not been reported in the literature in individuals affected with PHIP-related conditions. Variants that disrupt the consensus splice site are a relatively common cause of aberrant splicing (PMID: 17576681, 9536098). Algorithms developed to predict the effect of sequence changes on RNA splicing suggest that this variant is not likely to affect RNA splicing. In summary, the available evidence is currently insufficient to determine the role of this variant in disease. Therefore, it has been classified as a Variant of Uncertain Significance.

Literature cited by the submitters: PubMed 17576681; PubMed 9536098.

NM_017934.7(PHIP):c.100-3C>T

Gene: PHIP (PHIP subunit of CUL4-Ring ligase complex; minus strand). Cytogenetic location: 6q14.1.
Variant type: single nucleotide variant.
Coding change: c.100-3C>T on transcript NM_017934.7 (MANE Select); 3 bases into the intron before coding-DNA position 100, C replaced by T.
Molecular consequence: intron variant.
Genome position (GRCh38, 1-based): chr6:79,077,732, G>A on the plus strand (C>T on the coding strand, the complement: PHIP is on the minus strand). VCF-style: chr6-79077732-G-A. GRCh37 (hg19) VCF-style: chr6-79787449-G-A.
Identifiers: ClinVar variation 2876864 (VCV002876864.3), dbSNP rs998023935, ClinGen allele CA142190085.
Genomic context (GRCh38, chr6:79,077,732, plus strand): 5'-GGACGCGCCGGGCCGCCGCCGCCCTTACCTCCTTCTCGGCCACCTCGCGGATCAGCACCT[G>A]CAACAACAAAGCGGGGAGAGCTGAGCCCCGCGCCCCGGGCCGCGGCCCCGCCGCCGCCGC-3'